The following is an entry in ClinVar:

NM_020778.5(ALPK3):c.3512A>C (p.Lys1171Thr)

Gene: ALPK3 (alpha kinase 3; plus strand). Cytogenetic location: 15q25.3.
Variant type: single nucleotide variant.
Coding change: c.3512A>C on transcript NM_020778.5 (MANE Select); coding-DNA position 3512, A replaced by C.
Protein change: p.Lys1171Thr; replaces lysine 1171 with threonine.
Molecular consequence: missense variant.
Genome position (GRCh38, 1-based): chr15:84,858,250, A>C. VCF-style: chr15-84858250-A-C. GRCh37 (hg19) VCF-style: chr15-85401481-A-C.
Other names: short protein forms K1171T.
Identifiers: ClinVar variation 2758515 (VCV002758515.3), dbSNP rs2505722179, ClinGen allele CA393360409.
Genomic context (GRCh38, chr15:84,858,250, plus strand): 5'-TCCCGGCAGCTACACCTGAGGAACTGGCTCTAGGGGCCCGGAGGAAGAGATTTCTCCCTA[A>C]GGTCAGAGCAGCAGGAGACGGGGAGGCAACCACACCTGAAGAAAGGGAGAGCCCCACGGT-3'
Protein context (NP_065829.4, residues 1161-1181): LGARRKRFLP[Lys1171Thr]VRAAGDGEAT

ClinVar aggregate classification (germline): Uncertain significance (1 of 4 stars; one submission).

Submission:

Labcorp Genetics (formerly Invitae), Labcorp
Classification: Uncertain significance. Last evaluated: 2023-09-14. Review status: criteria provided, single submitter. Criteria: Invitae Variant Classification Sherloc (09022015). Collection method: clinical testing. Allele origin: germline.
Comment: Advanced modeling of protein sequence and biophysical properties (such as structural, functional, and spatial information, amino acid conservation, physicochemical variation, residue mobility, and thermodynamic stability) performed at Invitae indicates that this missense variant is expected to disrupt ALPK3 protein function. In summary, the available evidence is currently insufficient to determine the role of this variant in disease. Therefore, it has been classified as a Variant of Uncertain Significance. This variant has not been reported in the literature in individuals affected with ALPK3-related conditions. This variant is not present in population databases (gnomAD no frequency). This sequence change replaces lysine, which is basic and polar, with threonine, which is neutral and polar, at codon 1373 of the ALPK3 protein (p.Lys1373Thr).